The following is an entry in ClinVar:

ClinVar aggregate classification (germline): Benign. Review status: criteria provided, single submitter (1 of 4 stars). 2 submissions from 2 submitters: Benign (1). 1 of the submissions does not count toward it. Last evaluated 2025-08-15.

Conditions:
IGSF10-related disorder. Also called: IGSF10-related condition.

Allele frequency attached by ClinVar (database versions not stated): gnomAD exomes 0.00011 and 0.00036; ExAC 0.00036; 1000 Genomes Project 0.00120; 1000 Genomes Project 30x 0.00125; gnomAD 0.00133 and 0.00144; ESP Exome Variant Server 0.00161; TOPMed 0.00165.
gnomAD v4.1: 379 of 1,614,226 alleles (0.023%); highest among the groups gnomAD compares: African/African-American, 0.39%; 2 homozygotes.

Submissions (2):

Labcorp Genetics (formerly Invitae), Labcorp
Classification: Benign. Last evaluated: 2025-08-15. Review status: criteria provided, single submitter. Criteria: Invitae Variant Classification Sherloc (09022015). Collection method: clinical testing. Allele origin: germline.

PreventionGenetics, part of Exact Sciences
Classification: Likely benign for IGSF10-related condition. Last evaluated: 2019-11-06. Review status: no assertion criteria provided. Collection method: clinical testing. Allele origin: germline. Not counted in ClinVar's aggregate classification.
Comment: This variant is classified as likely benign based on ACMG/AMP sequence variant interpretation guidelines (Richards et al. 2015 PMID: 25741868, with internal and published modifications).

NM_178822.5(IGSF10):c.4104C>T (p.Phe1368=)

Gene: IGSF10 (immunoglobulin superfamily member 10; minus strand). Cytogenetic location: 3q25.1.
Variant type: single nucleotide variant.
Coding change: c.4104C>T on transcript NM_178822.5 (MANE Select); coding-DNA position 4104, C replaced by T.
Protein change: p.Phe1368=; no amino-acid change (phenylalanine 1368 retained).
Molecular consequence: synonymous variant.
Genome position (GRCh38, 1-based): chr3:151,445,877, G>A on the plus strand (C>T on the coding strand, the complement: IGSF10 is on the minus strand). VCF-style: chr3-151445877-G-A. GRCh37 (hg19) VCF-style: chr3-151163665-G-A.
Other names: c.4104C>T, p.Phe1368= (NM_001385060.1, NM_001385061.1, NM_001385062.1 and 1 more transcripts).
Identifiers: ClinVar variation 789721 (VCV000789721.10), dbSNP rs149800383, ClinGen allele CA2670029.
Genomic context (GRCh38, chr3:151,445,877, plus strand): 5'-GGGCTTGACTGAAGTTTCGGCTGTGGTTAGAACAGGAGGTGTCATAGCAGTGGGTGTAGT[G>A]AAGCCAGAACTCTGGTCTGGAGAGATGTTTGGGTCAGTCCTGTTCTTCTTTTGAGGCTCC-3'
Protein context (NP_849144.2, residues 1358-1378): PNISPDQSSG[Phe1368=]TTPTAMTPPV